The following is an entry in ClinVar:

NM_000368.5(TSC1):c.3160C>T (p.Gln1054Ter)

Gene: TSC1 (TSC complex subunit 1; minus strand). Cytogenetic location: 9q34.13.
Variant type: single nucleotide variant.
Coding change: c.3160C>T on transcript NM_000368.5 (MANE Select); coding-DNA position 3160, C replaced by T.
Protein change: p.Gln1054Ter; replaces glutamine 1054 with a stop codon.
Molecular consequence: nonsense. On other transcripts: non-coding transcript variant (5).
Genome position (GRCh38, 1-based): chr9:132,896,570, G>A on the plus strand (C>T on the coding strand, the complement: TSC1 is on the minus strand). VCF-style: chr9-132896570-G-A. GRCh37 (hg19) VCF-style: chr9-135771957-G-A.
Other names: c.3160C>T, p.Gln1054Ter (NM_001406595.1, NM_001406596.1, NM_001406592.1 and 2 more transcripts); c.3157C>T, p.Gln1053Ter (NM_001406597.1, NM_001406598.1, NM_001406599.1 and 2 more transcripts); c.3145C>T, p.Gln1049Ter (NM_001406601.1, NM_001406602.1); c.3142C>T, p.Gln1048Ter (NM_001406603.1, NM_001406604.1); c.3007C>T, p.Gln1003Ter (NM_001162427.2, NM_001406610.1); c.2797C>T, p.Gln933Ter (NM_001362177.2, NM_001406614.1, NM_001406615.1 and 4 more transcripts); c.3118C>T, p.Gln1040Ter (NM_001406605.1, NM_001406606.1, NM_001406607.1); c.3115C>T, p.Gln1039Ter (NM_001406608.1, NM_001406609.1); and 8 more; short protein forms Q1003*, Q1039*, Q1040*, Q1048*, Q1054*, Q703*, Q932*, Q918*.
Identifiers: ClinVar variation 2850417 (VCV002850417.3), dbSNP rs2538446552, ClinGen allele CA375367201.

ClinVar aggregate classification (germline): Uncertain significance (1 of 4 stars; one submission).

Conditions:
Tuberous sclerosis 1 (TSC1). Identifiers: Orphanet 805, MedGen C1854465, MONDO:0008612, OMIM 191100.

Submission:

Labcorp Genetics (formerly Invitae), Labcorp
Classification: Uncertain significance for Tuberous sclerosis 1. Last evaluated: 2023-03-28. Review status: criteria provided, single submitter. Criteria: Invitae Variant Classification Sherloc (09022015). Collection method: clinical testing. Allele origin: germline.
Comment: Experimental studies and prediction algorithms are not available or were not evaluated, and the functional significance of this variant is currently unknown. This sequence change creates a premature translational stop signal (p.Gln1054*) in the TSC1 gene. While this is not anticipated to result in nonsense mediated decay, it is expected to disrupt the last 111 amino acid(s) of the TSC1 protein. This variant is not present in population databases (gnomAD no frequency). This variant has not been reported in the literature in individuals affected with TSC1-related conditions. In summary, the available evidence is currently insufficient to determine the role of this variant in disease. Therefore, it has been classified as a Variant of Uncertain Significance.